The following is an entry in ClinVar:

ClinVar aggregate classification (germline): Likely benign (0 of 4 stars; one submission).

Conditions:
KIF26B-related disorder. Also called: KIF26B-related condition.

Submission:

PreventionGenetics, part of Exact Sciences
Classification: Likely benign for KIF26B-related condition. Last evaluated: 2019-09-04. Review status: no assertion criteria provided. Collection method: clinical testing. Allele origin: germline.
Comment: This variant is classified as likely benign based on ACMG/AMP sequence variant interpretation guidelines (Richards et al. 2015 PMID: 25741868, with internal and published modifications).

NM_018012.4(KIF26B):c.3132G>A (p.Gln1044=)

Gene: KIF26B (kinesin family member 26B; plus strand). Cytogenetic location: 1q44.
Variant type: single nucleotide variant.
Coding change: c.3132G>A on transcript NM_018012.4 (MANE Select); coding-DNA position 3132, G replaced by A.
Protein change: p.Gln1044=; no amino-acid change (glutamine 1044 retained).
Molecular consequence: synonymous variant.
Genome position (GRCh38, 1-based): chr1:245,686,115, G>A. VCF-style: chr1-245686115-G-A. GRCh37 (hg19) VCF-style: chr1-245849417-G-A.
Identifiers: ClinVar variation 3053771 (VCV003053771.2), dbSNP rs2527629021, ClinGen allele CA424403713.